The following is an entry in ClinVar:

NM_024915.4(GRHL2):c.1349C>T (p.Ser450Phe)

Gene: GRHL2 (grainyhead like transcription factor 2; plus strand). Cytogenetic location: 8q22.3.
Variant type: single nucleotide variant.
Coding change: c.1349C>T on transcript NM_024915.4 (MANE Select); coding-DNA position 1349, C replaced by T.
Protein change: p.Ser450Phe; replaces serine 450 with phenylalanine.
Molecular consequence: missense variant.
Genome position (GRCh38, 1-based): chr8:101,632,229, C>T. VCF-style: chr8-101632229-C-T. GRCh37 (hg19) VCF-style: chr8-102644457-C-T.
Other names: c.1301C>T, p.Ser434Phe (NM_001330593.2); short protein forms S450F, S434F.
Identifiers: ClinVar variation 3522544 (VCV003522544.3).

ClinVar aggregate classification (germline): Uncertain significance. Review status: criteria provided, multiple submitters, no conflicts (2 of 4 stars). 2 submissions from 2 submitters: Uncertain significance (2). Last evaluated 2024-12-10.

Conditions:
Inborn genetic diseases. Identifiers: MedGen C0950123, MeSH D030342.

gnomAD v4.1: 7 of 1,613,702 alleles (0.00043%); no homozygotes.

Submissions (2):

Ambry Genetics
Classification: Uncertain significance for Inborn genetic diseases. Last evaluated: 2024-12-10. Review status: criteria provided, single submitter. Criteria: Ambry Variant Classification Scheme 2023. Collection method: clinical testing. Allele origin: germline.

Labcorp Genetics (formerly Invitae), Labcorp
Classification: Uncertain significance. Last evaluated: 2024-10-15. Review status: criteria provided, single submitter. Criteria: Invitae Variant Classification Sherloc (09022015). Collection method: clinical testing. Allele origin: germline.
Comment: This sequence change replaces serine, which is neutral and polar, with phenylalanine, which is neutral and non-polar, at codon 450 of the GRHL2 protein (p.Ser450Phe). This variant is present in population databases (no rsID available, gnomAD 0.01%). This variant has not been reported in the literature in individuals affected with GRHL2-related conditions. An algorithm developed to predict the effect of missense changes on protein structure and function (PolyPhen-2) suggests that this variant is likely to be tolerated. In summary, the available evidence is currently insufficient to determine the role of this variant in disease. Therefore, it has been classified as a Variant of Uncertain Significance.